The following is an entry in ClinVar:

NM_001382241.1(TNPO2):c.2658G>A (p.Leu886=)

Genes: TNPO2 (transportin 2; minus strand), LOC126862859 (CDK7 strongly-dependent group 2 enhancer GRCh37_chr19:12811952-12813151; plus strand). Cytogenetic location: 19p13.13.
Variant type: single nucleotide variant.
Coding change: c.2658G>A on transcript NM_001382241.1 (MANE Select); coding-DNA position 2658, G replaced by A.
Protein change: p.Leu886=; no amino-acid change (leucine 886 retained).
Molecular consequence: synonymous variant. On other transcripts: non-coding transcript variant (6).
Genome position (GRCh38, 1-based): chr19:12,701,382, C>T on the plus strand (G>A on the coding strand, the complement: TNPO2 is on the minus strand). VCF-style: chr19-12701382-C-T. GRCh37 (hg19) VCF-style: chr19-12812196-C-T.
Other names: c.2628G>A, p.Leu876= (NM_001136195.2, NM_001382236.1, NM_001382237.1 and 3 more transcripts); c.2658G>A, p.Leu886= (NM_001136196.2, NM_001382240.1, NM_001382242.1); c.2622G>A, p.Leu874= (NM_001382243.1).
Identifiers: ClinVar variation 4980966 (VCV004980966.1).

ClinVar aggregate classification (germline): Likely benign (1 of 4 stars; one submission).

Conditions:
TNPO2-related disorder. Also called: TNPO2-related condition.

gnomAD v4.1: 97 of 1,613,860 alleles (0.006%); highest among the groups gnomAD compares: African/African-American, 0.12%; no homozygotes.

Submission:

PreventionGenetics, part of Exact Sciences
Classification: Likely benign for TNPO2-related condition. Last evaluated: 2025-11-25. Review status: criteria provided, single submitter. Criteria: ACMG Guidelines, 2015. Collection method: clinical testing. Allele origin: germline.
Comment: This variant is classified as likely benign based on ACMG/AMP sequence variant interpretation guidelines (Richards et al. 2015 PMID: 25741868, with internal and published modifications).